The following is an entry in ClinVar:

NM_002335.4(LRP5):c.3866A>G (p.Gln1289Arg)

Gene: LRP5 (LDL receptor related protein 5; plus strand). Cytogenetic location: 11q13.2.
Variant type: single nucleotide variant.
Coding change: c.3866A>G on transcript NM_002335.4 (MANE Select); coding-DNA position 3866, A replaced by G.
Protein change: p.Gln1289Arg; replaces glutamine 1289 with arginine.
Molecular consequence: missense variant.
Genome position (GRCh38, 1-based): chr11:68,433,704, A>G. VCF-style: chr11-68433704-A-G. GRCh37 (hg19) VCF-style: chr11-68201172-A-G.
Other names: c.2123A>G, p.Gln708Arg (NM_001291902.2); short protein forms Q1289R, Q708R.
Identifiers: ClinVar variation 2128965 (VCV002128965.4), dbSNP rs2496874011, ClinGen allele CA381613789.

ClinVar aggregate classification (germline): Uncertain significance (1 of 4 stars; one submission).

Submission:

Labcorp Genetics (formerly Invitae), Labcorp
Classification: Uncertain significance. Last evaluated: 2022-04-21. Review status: criteria provided, single submitter. Criteria: Invitae Variant Classification Sherloc (09022015). Collection method: clinical testing. Allele origin: germline.
Comment: In summary, the available evidence is currently insufficient to determine the role of this variant in disease. Therefore, it has been classified as a Variant of Uncertain Significance. Advanced modeling of protein sequence and biophysical properties (such as structural, functional, and spatial information, amino acid conservation, physicochemical variation, residue mobility, and thermodynamic stability) performed at Invitae indicates that this missense variant is not expected to disrupt LRP5 protein function. This variant has not been reported in the literature in individuals affected with LRP5-related conditions. This variant is not present in population databases (gnomAD no frequency). This sequence change replaces glutamine, which is neutral and polar, with arginine, which is basic and polar, at codon 1289 of the LRP5 protein (p.Gln1289Arg).